The following is an entry in ClinVar:

NM_177438.3(DICER1):c.1752+2_1752+3del

Gene: DICER1 (dicer 1, ribonuclease III; minus strand). Cytogenetic location: 14q32.13.
Variant type: Deletion.
Coding change: c.1752+2_1752+3del on transcript NM_177438.3 (MANE Select); the canonical splice donor site of the intron after coding-DNA position 1752 through 3 bases into the intron after coding-DNA position 1752, 2 bases deleted (TA; older notation c.1752+2_1752+3delTA).
Molecular consequence: splice donor variant.
Genome position (GRCh38, 1-based): chr14:95,116,450-95,116,451, TA deleted on the plus strand (TA on the coding strand, the reverse complement: DICER1 is on the minus strand). VCF-style (leftmost placement, unchanged base first): chr14-95116449-TTA-T. GRCh37 (hg19) VCF-style: chr14-95582786-TTA-T.
Other names: c.1752+2_1752+3del (NM_001291628.2, NM_030621.4, NM_001271282.3 and 1 more transcripts); c.1752+2_1752+3delTA (NM_177438.2).
Identifiers: ClinVar variation 1486788 (VCV001486788.10), dbSNP rs2140122536, ClinGen allele CA2573150307.

ClinVar aggregate classification (germline): Conflicting classifications of pathogenicity. Review status: criteria provided, conflicting classifications (1 of 4 stars). 2 submissions from 2 submitters: Likely pathogenic (1); Uncertain significance (1). Last evaluated 2026-07-23.

Conditions:
Hereditary cancer-predisposing syndrome. Also called: Hereditary Cancer Syndrome; Tumor predisposition; Neoplastic Syndromes, Hereditary; Hereditary neoplastic syndrome. Identifiers: Orphanet 140162, MedGen C0027672, MeSH D009386, MONDO:0015356.
DICER1-related tumor predisposition. Also called: DICER1-related pleuropulmonary blastoma cancer predisposition syndrome; DICER1 syndrome. Identifiers: Orphanet 284343, MedGen C3839822, MONDO:0100216.

Submissions (2):

Ambry Genetics
Classification: Uncertain significance for Hereditary cancer-predisposing syndrome. Last evaluated: 2026-07-23. Review status: criteria provided, single submitter. Criteria: Ambry Variant Classification Scheme 2023. Collection method: clinical testing. Allele origin: germline.
Comment: The c.1752+2_1752+3delTA intronic variant begins 2 nucleotides after coding exon 9 in the DICER1 gene. This variant results from a deletion of 2 nucleotides at positions c.1752+2 to c.1752+3. Variants that disrupt the canonical splice site are expected to result in aberrant splicing. In silico splice site analysis predicts that this alteration will weaken the native splice donor site. A resulting transcript is predicted to be in-frame and is not expected to trigger nonsense-mediated mRNAdecay; although, direct evidence is unavailable. This nucleotide region is well conserved in available vertebrate species. Based on the available evidence, the clinical significance of this variant remains unclear.

Labcorp Genetics (formerly Invitae), Labcorp
Classification: Likely pathogenic for DICER1-related tumor predisposition. Last evaluated: 2021-05-10. Review status: criteria provided, single submitter. Criteria: Invitae Variant Classification Sherloc (09022015). Collection method: clinical testing. Allele origin: germline.
Comment: This sequence change affects a splice site in intron 10 of the DICER1 gene. It is expected to disrupt RNA splicing. Variants that disrupt the donor or acceptor splice site typically lead to a loss of protein function (PMID: 16199547), and loss-of-function variants in DICER1 are known to be pathogenic (PMID: 19556464, 21266384). In summary, the currently available evidence indicates that the variant is pathogenic, but additional data are needed to prove that conclusively. Therefore, this variant has been classified as Likely Pathogenic. Algorithms developed to predict the effect of sequence changes on RNA splicing suggest that this variant may disrupt the consensus splice site, but this prediction has not been confirmed by published transcriptional studies. This variant has not been reported in the literature in individuals with DICER1-related conditions. This variant is not present in population databases (ExAC no frequency).

Literature cited by the submitters: PubMed 16199547 (cited by Labcorp Genetics (formerly Invitae), Labcorp); PubMed 19556464 (cited by Labcorp Genetics (formerly Invitae), Labcorp); PubMed 21266384 (cited by Labcorp Genetics (formerly Invitae), Labcorp).